The following is an entry in ClinVar:

NM_018975.4(TERF2IP):c.578A>C (p.His193Pro)

Gene: TERF2IP (TERF2 interacting protein; plus strand). Cytogenetic location: 16q23.1.
Variant type: single nucleotide variant.
Coding change: c.578A>C on transcript NM_018975.4 (MANE Select); coding-DNA position 578, A replaced by C.
Protein change: p.His193Pro; replaces histidine 193 with proline.
Molecular consequence: missense variant. On other transcripts: non-coding transcript variant (1).
Genome position (GRCh38, 1-based): chr16:75,648,460, A>C. VCF-style: chr16-75648460-A-C. GRCh37 (hg19) VCF-style: chr16-75682358-A-C.
Other names: short protein forms H193P.
Identifiers: ClinVar variation 1749634 (VCV001749634.3), dbSNP rs752745876, ClinGen allele CA396818209.

ClinVar aggregate classification (germline): Uncertain significance (1 of 4 stars; one submission).

gnomAD v4.1: 10 of 1,600,144 alleles (0.00062%); highest among the groups gnomAD compares: Non-Finnish European, 0.00085%; no homozygotes.

Submission:

Ambry Genetics
Classification: Uncertain significance. Last evaluated: 2024-04-23. Review status: criteria provided, single submitter. Criteria: Ambry Variant Classification Scheme 2023. Collection method: clinical testing. Allele origin: germline.
Comment: The p.H193P variant (also known as c.578A>C), located in coding exon 1 of the TERF2IP gene, results from an A to C substitution at nucleotide position 578. The histidine at codon 193 is replaced by proline, an amino acid with similar properties. This amino acid position is conserved. In addition, this alteration is predicted to be tolerated by in silico analysis. Since supporting evidence is limited at this time, the clinical significance of this alteration remains unclear.